The following is an entry in ClinVar:

NM_020778.5(ALPK3):c.2213C>T (p.Thr738Ile)

Gene: ALPK3 (alpha kinase 3; plus strand). Cytogenetic location: 15q25.3.
Variant type: single nucleotide variant.
Coding change: c.2213C>T on transcript NM_020778.5 (MANE Select); coding-DNA position 2213, C replaced by T.
Protein change: p.Thr738Ile; replaces threonine 738 with isoleucine.
Molecular consequence: missense variant.
Genome position (GRCh38, 1-based): chr15:84,856,951, C>T. VCF-style: chr15-84856951-C-T. GRCh37 (hg19) VCF-style: chr15-85400182-C-T.
Other names: p.Thr940Ile; short protein forms T738I.
Identifiers: ClinVar variation 3380314 (VCV003380314.2).
Genomic context (GRCh38, chr15:84,856,951, plus strand): 5'-CAGCCATGGAAGGTCAGTCTGAGCAAGAGGTGGCAACCAGCCTCGGCCCACCATCCAGAA[C>T]CCCCAAACTCCCACCTACAGCGGGTCCTAGAGCTCCTCTGAATATTGAATGTTTTGTACA-3'
Protein context (NP_065829.4, residues 728-748): VATSLGPPSR[Thr738Ile]PKLPPTAGPR

ClinVar aggregate classification (germline): Uncertain significance. Review status: criteria provided, multiple submitters, no conflicts (2 of 4 stars). 2 submissions from 2 submitters: Uncertain significance (2). Last evaluated 2025-11-16.

Submissions (2):

Labcorp Genetics (formerly Invitae), Labcorp
Classification: Uncertain significance. Last evaluated: 2025-11-16. Review status: criteria provided, single submitter. Criteria: Invitae Variant Classification Sherloc (09022015). Collection method: clinical testing. Allele origin: germline.
Comment: This sequence change replaces threonine, which is neutral and polar, with isoleucine, which is neutral and non-polar, at codon 940 of the ALPK3 protein (p.Thr940Ile). This variant is not present in population databases (gnomAD no frequency). This variant has not been reported in the literature in individuals affected with ALPK3-related conditions. ClinVar contains an entry for this variant (Variation ID: 3380314). Invitae Evidence Modeling of protein sequence and biophysical properties (such as structural, functional, and spatial information, amino acid conservation, physicochemical variation, residue mobility, and thermodynamic stability) indicates that this missense variant is not expected to disrupt ALPK3 protein function with a negative predictive value of 80%. In summary, the available evidence is currently insufficient to determine the role of this variant in disease. Therefore, it has been classified as a Variant of Uncertain Significance.

Mayo Clinic Laboratories, Mayo Clinic
Classification: Uncertain significance. Last evaluated: 2024-01-31. Review status: criteria provided, single submitter. Criteria: ACMG Guidelines, 2015. Collection method: clinical testing. Allele origin: germline. Observed: 1 variant allele.
Comment: BP4, PM2